The following is an entry in ClinVar:

NM_015559.3(SETBP1):c.1483T>A (p.Ser495Thr)

Gene: SETBP1 (SET binding protein 1; plus strand). Cytogenetic location: 18q12.3.
Variant type: single nucleotide variant.
Coding change: c.1483T>A on transcript NM_015559.3 (MANE Select); coding-DNA position 1483, T replaced by A.
Protein change: p.Ser495Thr; replaces serine 495 with threonine.
Molecular consequence: missense variant.
Genome position (GRCh38, 1-based): chr18:44,950,823, T>A. VCF-style: chr18-44950823-T-A. GRCh37 (hg19) VCF-style: chr18-42530788-T-A.
Other names: c.1483T>A, p.Ser495Thr (LRG_1150t1); short protein forms S495T.
Identifiers: ClinVar variation 326738 (VCV000326738.45), dbSNP rs138515058, ClinGen allele CA8945623.

ClinVar aggregate classification (germline): Benign/Likely benign. Review status: criteria provided, multiple submitters, no conflicts (2 of 4 stars). 8 submissions from 8 submitters: Benign (3); Likely benign (5). Last evaluated 2026-01-21.

Conditions:
Schinzel-Giedion syndrome (SGS). Identifiers: Orphanet 798, MedGen C0265227, MONDO:0010010, OMIM 269150.

Allele frequency attached by ClinVar (database versions not stated): gnomAD 0.00184 and 0.00167; TOPMed 0.00199; 1000 Genomes Project 30x 0.00234; ESP Exome Variant Server 0.00246; 1000 Genomes Project 0.00260; gnomAD exomes 0.00014 and 0.00043; ExAC 0.00059.
gnomAD v4.1: 471 of 1,614,062 alleles (0.029%); highest among the groups gnomAD compares: African/African-American, 0.58%; no homozygotes.

Submissions (8):

Labcorp Genetics (formerly Invitae), Labcorp
Classification: Benign. Last evaluated: 2026-01-21. Review status: criteria provided, single submitter. Criteria: Invitae Variant Classification Sherloc (09022015). Collection method: clinical testing. Allele origin: germline.

KCCC/NGS Laboratory, Kuwait Cancer Control Center
Classification: Benign for Schinzel-Giedion syndrome. Last evaluated: 2025-02-01. Review status: criteria provided, single submitter. Criteria: ACMG Guidelines, 2015. Collection method: clinical testing. Allele origin: germline. Affected: no.

ARUP Laboratories, Molecular Genetics and Genomics, ARUP Laboratories
Classification: Likely benign. Last evaluated: 2024-08-29. Review status: criteria provided, single submitter. Criteria: ARUP Molecular Germline Variant Investigation Process 2024. Collection method: clinical testing. Allele origin: germline.

Blueprint Genetics
Classification: Likely benign. Last evaluated: 2024-08-06. Review status: criteria provided, single submitter. Criteria: ACMG Guidelines, 2015. Collection method: clinical testing. Allele origin: germline.

CeGaT Center for Human Genetics Tuebingen
Classification: Likely benign. Last evaluated: 2023-05-01. Review status: criteria provided, single submitter. Criteria: CeGaT Center For Human Genetics Tuebingen Variant Classification Criteria Version 2. Collection method: clinical testing. Allele origin: germline. Affected: yes. Observed: 1 variant allele.
Comment: SETBP1: BP4, BS1

GeneDx
Classification: Benign. Last evaluated: 2019-07-24. Review status: criteria provided, single submitter. Criteria: GeneDx Variant Classification Process June 2021. Collection method: clinical testing. Allele origin: germline. Affected: yes.

Center for Pediatric Genomic Medicine, Children's Mercy Hospital and Clinics
Classification: Likely benign. Last evaluated: 2016-06-29. Review status: criteria provided, single submitter. Criteria: ACMG Guidelines, 2015. Collection method: clinical testing. Allele origin: germline.
ClinVar note: Converted during submission from Likely Benign to Likely benign.

Breakthrough Genomics
Classification: Likely benign. Review status: criteria provided, single submitter. Criteria: ACMG Guidelines, 2015. Collection method: not provided. Allele origin: germline. Inheritance: Autosomal dominant inheritance. Affected: yes.